The following is an entry in ClinVar:

ClinVar aggregate classification (germline): Uncertain significance (1 of 4 stars; one submission).

Submission:

GeneDx
Classification: Uncertain significance. Last evaluated: 2024-03-05. Review status: criteria provided, single submitter. Criteria: GeneDx Variant Classification Process June 2021. Collection method: clinical testing. Allele origin: germline. Affected: yes.
Comment: Not observed at significant frequency in large population cohorts (gnomAD); In silico analysis supports that this missense variant has a deleterious effect on protein structure/function; Has not been previously published as pathogenic or benign to our knowledge

NM_181703.4(GJA5):c.115A>C (p.Thr39Pro)

Gene: GJA5 (gap junction protein alpha 5; minus strand). Cytogenetic location: 1q21.2.
Variant type: single nucleotide variant.
Coding change: c.115A>C on transcript NM_181703.4 (MANE Select); coding-DNA position 115, A replaced by C.
Protein change: p.Thr39Pro; replaces threonine 39 with proline.
Molecular consequence: missense variant.
Genome position (GRCh38, 1-based): chr1:147,759,124, T>G on the plus strand (A>C on the coding strand, the complement: GJA5 is on the minus strand). VCF-style: chr1-147759124-T-G. GRCh37 (hg19) VCF-style: chr1-147231232-T-G.
Other names: c.115A>C, p.Thr39Pro (NM_005266.7); short protein forms T39P.
Identifiers: ClinVar variation 3370563 (VCV003370563.1).